The following is an entry in ClinVar:

ClinVar aggregate classification (germline): Likely benign (1 of 4 stars; one submission).

Conditions:
LEPR-related disorder. Also called: LEPR-related disorders; LEPR-related condition.

gnomAD v4.1: 13 of 1,613,894 alleles (0.00081%); highest among the groups gnomAD compares: South Asian, 0.0077%; no homozygotes.

Submission:

PreventionGenetics, part of Exact Sciences
Classification: Likely benign for LEPR-related condition. Last evaluated: 2025-03-20. Review status: criteria provided, single submitter. Criteria: ACMG Guidelines, 2015. Collection method: clinical testing. Allele origin: germline.
Comment: This variant is classified as likely benign based on ACMG/AMP sequence variant interpretation guidelines (Richards et al. 2015 PMID: 25741868, with internal and published modifications).

NM_002303.6(LEPR):c.2193T>C (p.Phe731=)

Genes: LEPR (leptin receptor; plus strand), LOC122094844 (Sharpr-MPRA regulatory region 5730; plus strand). Cytogenetic location: 1p31.3.
Variant type: single nucleotide variant.
Coding change: c.2193T>C on transcript NM_002303.6 (MANE Select); coding-DNA position 2193, T replaced by C.
Protein change: p.Phe731=; no amino-acid change (phenylalanine 731 retained).
Molecular consequence: synonymous variant.
Genome position (GRCh38, 1-based): chr1:65,616,205, T>C. VCF-style: chr1-65616205-T-C. GRCh37 (hg19) VCF-style: chr1-66081888-T-C.
Other names: c.2193T>C, p.Phe731= (NM_001003679.3, NM_001003680.3, NM_001198687.2 and 2 more transcripts).
Identifiers: ClinVar variation 4988924 (VCV004988924.1).